The following is an entry in ClinVar:

ClinVar aggregate classification (germline): Uncertain significance (1 of 4 stars; one submission).

Conditions:
Multiple gastrointestinal atresias. Also called: FAMILIAL INTESTINAL POLYATRESIA SYNDROME; Multiple intestinal atresia. Identifiers: Orphanet 2300, MedGen C0220744, MONDO:0009465.

Submission:

Labcorp Genetics (formerly Invitae), Labcorp
Classification: Uncertain significance for Multiple gastrointestinal atresias. Last evaluated: 2022-06-20. Review status: criteria provided, single submitter. Criteria: Invitae Variant Classification Sherloc (09022015). Collection method: clinical testing. Allele origin: germline.
Comment: In summary, the available evidence is currently insufficient to determine the role of this variant in disease. Therefore, it has been classified as a Variant of Uncertain Significance. Algorithms developed to predict the effect of missense changes on protein structure and function (SIFT, PolyPhen-2, Align-GVGD) all suggest that this variant is likely to be tolerated. This variant has not been reported in the literature in individuals affected with TTC7A-related conditions. This variant is not present in population databases (gnomAD no frequency). This sequence change replaces threonine, which is neutral and polar, with arginine, which is basic and polar, at codon 38 of the TTC7A protein (p.Thr38Arg).

NM_020458.4(TTC7A):c.113C>G (p.Thr38Arg)

Genes: MCFD2 (multiple coagulation factor deficiency 2, ER cargo receptor complex subunit; minus strand), TTC7A (tetratricopeptide repeat domain 7A; plus strand). Cytogenetic location: 2p21.
Variant type: single nucleotide variant.
Coding change: c.113C>G on transcript NM_020458.4 (MANE Select); coding-DNA position 113, C replaced by G.
Protein change: p.Thr38Arg; replaces threonine 38 with arginine.
Molecular consequence: missense variant. On other transcripts: 5 prime UTR variant (2), intron variant (1).
Genome position (GRCh38, 1-based): chr2:46,941,654, C>G. VCF-style: chr2-46941654-C-G. GRCh37 (hg19) VCF-style: chr2-47168793-C-G.
Other names: c.-89G>C (NM_001171508.2); c.10G>C, p.Val4Leu (NM_001171511.3); c.83-8709C>G (NM_001288953.2); c.113C>G, p.Thr38Arg (NM_001288951.2); c.-792C>G (NM_001288955.2); short protein forms T38R, V4L.
Identifiers: ClinVar variation 1487795 (VCV001487795.8), dbSNP rs1179064463, ClinGen allele CA346715754.
Genomic context (GRCh38, chr2:46,941,654, plus strand): 5'-AGCGCTGCCGCGCCGAGGGCCACTGGGACCGCATGCCGGAGCTGGTCCGGCAGCTGCAGA[C>G]GCTGAGCATGCCCGGCGGCGGAGGTAACAGGCGAGGCAGCCCGAGCGCAGCGTTCACCTT-3'
Protein context (NP_065191.2, residues 28-48): RMPELVRQLQ[Thr38Arg]LSMPGGGGNR